The following is an entry in ClinVar:

ClinVar aggregate classification (germline): Uncertain significance. Review status: criteria provided, multiple submitters, no conflicts (2 of 4 stars). 2 submissions from 2 submitters: Uncertain significance (2). Last evaluated 2025-07-28.

Allele frequency attached by ClinVar (database versions not stated): gnomAD 0.00003; TOPMed 0.00004.

Submissions (2):

Labcorp Genetics (formerly Invitae), Labcorp
Classification: Uncertain significance. Last evaluated: 2025-07-28. Review status: criteria provided, single submitter. Criteria: Invitae Variant Classification Sherloc (09022015). Collection method: clinical testing. Allele origin: germline.
Comment: This sequence change replaces valine, which is neutral and non-polar, with isoleucine, which is neutral and non-polar, at codon 106 of the RASA2 protein (p.Val106Ile). This variant is not present in population databases (gnomAD no frequency). This variant has not been reported in the literature in individuals affected with RASA2-related conditions. ClinVar contains an entry for this variant (Variation ID: 1467697). An algorithm developed to predict the effect of missense changes on protein structure and function outputs the following: PolyPhen-2: "Benign". The isoleucine amino acid residue is found in multiple mammalian species, which suggests that this missense change does not adversely affect protein function. In summary, the available evidence is currently insufficient to determine the role of this variant in disease. Therefore, it has been classified as a Variant of Uncertain Significance.

Ambry Genetics
Classification: Uncertain significance. Last evaluated: 2025-04-25. Review status: criteria provided, single submitter. Criteria: Ambry Variant Classification Scheme 2023. Collection method: clinical testing. Allele origin: germline.

NM_006506.5(RASA2):c.316G>A (p.Val106Ile)

Gene: RASA2 (RAS p21 protein activator 2; plus strand). Cytogenetic location: 3q23.
Variant type: single nucleotide variant.
Coding change: c.316G>A on transcript NM_006506.5 (MANE Select); coding-DNA position 316, G replaced by A.
Protein change: p.Val106Ile; replaces valine 106 with isoleucine.
Molecular consequence: missense variant.
Genome position (GRCh38, 1-based): chr3:141,516,392, G>A. VCF-style: chr3-141516392-G-A. GRCh37 (hg19) VCF-style: chr3-141235234-G-A.
Other names: c.316G>A, p.Val106Ile (NM_001303245.3, NM_001303246.3); short protein forms V106I.
Identifiers: ClinVar variation 1467697 (VCV001467697.9), dbSNP rs1032828030, ClinGen allele CA84646516.